The following is an entry in ClinVar:

ClinVar aggregate classification (germline): Uncertain significance (1 of 4 stars; one submission).

gnomAD v4.1: 3 of 1,613,978 alleles (0.00019%); highest among the groups gnomAD compares: Non-Finnish European, 0.00025%; no homozygotes.

Submission:

Women's Health and Genetics/Laboratory Corporation of America, LabCorp
Classification: Uncertain significance. Last evaluated: 2023-09-06. Review status: criteria provided, single submitter. Criteria: LabCorp Variant Classification Summary - May 2015. Collection method: clinical testing. Allele origin: germline.
Comment: Variant summary: ARHGEF10 c.3648C>G (p.Asp1216Glu) results in a conservative amino acid change in the encoded protein sequence. Five of five in-silico tools predict a benign effect of the variant on protein function. The variant was absent in 251400 control chromosomes. The available data on variant occurrences in the general population are insufficient to allow any conclusion about variant significance. To our knowledge, no occurrence of c.3648C>G in individuals affected with Autosomal Dominant Slowed Nerve Conduction Velocity and no experimental evidence demonstrating its impact on protein function have been reported. No submitters have cited clinical-significance assessments for this variant to ClinVar after 2014. Based on the evidence outlined above, the variant was classified as uncertain significance.

NM_014629.4(ARHGEF10):c.3648C>G (p.Asp1216Glu)

Gene: ARHGEF10 (Rho guanine nucleotide exchange factor 10; plus strand). Cytogenetic location: 8p23.3.
Variant type: single nucleotide variant.
Coding change: c.3648C>G on transcript NM_014629.4 (MANE Select); coding-DNA position 3648, C replaced by G.
Protein change: p.Asp1216Glu; replaces aspartic acid 1216 with glutamic acid.
Molecular consequence: missense variant.
Genome position (GRCh38, 1-based): chr8:1,956,876, C>G. VCF-style: chr8-1956876-C-G. GRCh37 (hg19) VCF-style: chr8-1905042-C-G.
Other names: c.3534C>G, p.Asp1178Glu (NM_001308152.2); c.3648C>G, p.Asp1216Glu (NM_001308153.3); short protein forms D1178E, D1216E, D1240E.
Identifiers: ClinVar variation 2627133 (VCV002627133.1), dbSNP rs200561292, ClinGen allele CA369958128.